The following is an entry in ClinVar:

ClinVar aggregate classification (germline): Benign (0 of 4 stars; one submission).

Conditions:
RELT-related disorder. Also called: RELT-related condition.

Allele frequency attached by ClinVar (database versions not stated): 1000 Genomes Project 30x 0.00859; ESP Exome Variant Server 0.00678; 1000 Genomes Project 0.01038.
gnomAD v4.1: 11,609 of 1,611,314 alleles (0.72%); highest among the groups gnomAD compares: Middle Eastern, 3.8%; 127 homozygotes.

Submission:

PreventionGenetics, part of Exact Sciences
Classification: Benign for RELT-related condition. Last evaluated: 2024-03-13. Review status: no assertion criteria provided. Collection method: clinical testing. Allele origin: germline.
Comment: This variant is classified as benign based on ACMG/AMP sequence variant interpretation guidelines (Richards et al. 2015 PMID: 25741868, with internal and published modifications).

NM_152222.2(RELT):c.767C>T (p.Thr256Met)

Gene: RELT (RELT TNF receptor; plus strand). Cytogenetic location: 11q13.4.
Variant type: single nucleotide variant.
Coding change: c.767C>T on transcript NM_152222.2 (MANE Select); coding-DNA position 767, C replaced by T.
Protein change: p.Thr256Met; replaces threonine 256 with methionine.
Molecular consequence: missense variant.
Genome position (GRCh38, 1-based): chr11:73,394,296, C>T. VCF-style: chr11-73394296-C-T. GRCh37 (hg19) VCF-style: chr11-73105341-C-T.
Other names: c.791C>T, p.Thr264Met (NM_001425248.1); c.764C>T, p.Thr255Met (NM_001425249.1); c.767C>T, p.Thr256Met (NM_001425250.1, NM_001425252.1, NM_032871.4); c.719C>T, p.Thr240Met (NM_001425251.1); c.509C>T, p.Thr170Met (NM_001425253.1); short protein forms T170M, T240M, T255M, T256M, T264M.
Identifiers: ClinVar variation 3059388 (VCV003059388.2), dbSNP rs141813904, ClinGen allele CA6178754.
Genomic context (GRCh38, chr11:73,394,296, plus strand): 5'-AGAATGCTGCGGCCCTGGAGGAGCTGCTGAAAGAGTACCACAGCAAACAGCTGGTGCAGA[C>T]GAGCCACAGGCCTGTGTCCAAGTGAGTGGGCTGGTGGGAGATAACGGGGCCAAAACCTAC-3'
Protein context (NP_689408.1, residues 246-266): KEYHSKQLVQ[Thr256Met]SHRPVSKLPP